The following is an entry in ClinVar:

ClinVar aggregate classification (germline): Likely pathogenic (1 of 4 stars; one submission).

Submission:

Labcorp Genetics (formerly Invitae), Labcorp
Classification: Likely pathogenic. Last evaluated: 2022-04-14. Review status: criteria provided, single submitter. Criteria: Invitae Variant Classification Sherloc (09022015). Collection method: clinical testing. Allele origin: germline.
Comment: This variant is not present in population databases (gnomAD no frequency). In summary, the currently available evidence indicates that the variant is pathogenic, but additional data are needed to prove that conclusively. Therefore, this variant has been classified as Likely Pathogenic. Algorithms developed to predict the effect of sequence changes on RNA splicing suggest that this variant may disrupt the consensus splice site. This variant has not been reported in the literature in individuals affected with RGS9-related conditions. This sequence change affects an acceptor splice site in intron 3 of the RGS9 gene. It is expected to disrupt RNA splicing. Variants that disrupt the donor or acceptor splice site typically lead to a loss of protein function (PMID: 16199547), and loss-of-function variants in RGS9 are known to be pathogenic (PMID: 11262419, 14702087).

Literature cited by the submitters: PubMed 16199547; PubMed 11262419; PubMed 14702087.

NM_003835.4(RGS9):c.206-1G>A

Gene: RGS9 (regulator of G protein signaling 9; plus strand). Cytogenetic location: 17q24.1.
Variant type: single nucleotide variant.
Coding change: c.206-1G>A on transcript NM_003835.4 (MANE Select); the canonical splice acceptor site of the intron before coding-DNA position 206, G replaced by A.
Molecular consequence: splice acceptor variant.
Genome position (GRCh38, 1-based): chr17:65,160,232, G>A. VCF-style: chr17-65160232-G-A. GRCh37 (hg19) VCF-style: chr17-63156350-G-A.
Other names: c.206-1G>A (NM_001081955.3, NM_001165933.2).
Identifiers: ClinVar variation 2097540 (VCV002097540.4), dbSNP rs2509366840, ClinGen allele CA400664140.